The following is an entry in ClinVar:

ClinVar aggregate classification (germline): Conflicting classifications of pathogenicity. Review status: criteria provided, conflicting classifications (1 of 4 stars). 3 submissions from 3 submitters: Uncertain significance (2); Likely benign (1). Last evaluated 2023-03-23.

Conditions:
Hereditary breast ovarian cancer syndrome. Also called: Hereditary breast and ovarian cancer syndrome (HBOC); Hereditary breast and ovarian cancer syndrome; Breast and ovarian cancer; BRCA1- and BRCA2-Associated Hereditary Breast and Ovarian Cancer; Hereditary breast and ovarian cancer; Hereditary breast and/or ovarian cancer syndrome. Identifiers: Orphanet 145, MedGen C0677776, MeSH D061325, MONDO:0003582. Disease mechanism: loss of function.
Hereditary cancer-predisposing syndrome. Also called: Neoplastic Syndromes, Hereditary; Hereditary Cancer Syndrome; Hereditary neoplastic syndrome; Tumor predisposition. Identifiers: Orphanet 140162, MedGen C0027672, MeSH D009386, MONDO:0015356.

Allele frequency attached by ClinVar (database versions not stated): gnomAD exomes below 0.00001.
gnomAD v4.1: 3 of 1,602,204 alleles (0.00019%); highest among the groups gnomAD compares: Non-Finnish European, 0.00026%; no homozygotes.

Submissions (3):

University of Washington Department of Laboratory Medicine, University of Washington
Classification: Likely benign for Hereditary cancer-predisposing syndrome. Last evaluated: 2023-03-23. Review status: criteria provided, single submitter. Criteria: Dines et al. (Genet Med. 2020). Collection method: curation. Allele origin: germline.
Comment: Missense variant in a coldspot region where missense variants are very unlikely to be pathogenic (PMID:31911673).

BRCA2 exon 11 coldspot. Reclassification based on statistical prior probability.

Labcorp Genetics (formerly Invitae), Labcorp
Classification: Uncertain significance for Hereditary breast ovarian cancer syndrome. Last evaluated: 2022-07-12. Review status: criteria provided, single submitter. Criteria: Invitae Variant Classification Sherloc (09022015). Collection method: clinical testing. Allele origin: germline.
Comment: In summary, the available evidence is currently insufficient to determine the role of this variant in disease. Therefore, it has been classified as a Variant of Uncertain Significance. Advanced modeling of protein sequence and biophysical properties (such as structural, functional, and spatial information, amino acid conservation, physicochemical variation, residue mobility, and thermodynamic stability) performed at Invitae indicates that this missense variant is not expected to disrupt BRCA2 protein function. ClinVar contains an entry for this variant (Variation ID: 479388). This variant has not been reported in the literature in individuals affected with BRCA2-related conditions. This variant is not present in population databases (gnomAD no frequency). This sequence change replaces serine, which is neutral and polar, with alanine, which is neutral and non-polar, at codon 1464 of the BRCA2 protein (p.Ser1464Ala).

Ambry Genetics
Classification: Uncertain significance for Hereditary cancer-predisposing syndrome. Last evaluated: 2017-04-04. Review status: criteria provided, single submitter. Criteria: Ambry Variant Classification Scheme 2023. Collection method: clinical testing. Allele origin: germline.
Comment: The p.S1464A variant (also known as c.4390T>G), located in coding exon 10 of the BRCA2 gene, results from a T to G substitution at nucleotide position 4390. The serine at codon 1464 is replaced by alanine, an amino acid with similar properties. This amino acid position is not well conserved in available vertebrate species. In addition, this alteration is predicted to be tolerated by in silico analysis. Since supporting evidence is limited at this time, the clinical significance of this alteration remains unclear.

NM_000059.4(BRCA2):c.4390T>G (p.Ser1464Ala)

Gene: BRCA2 (BRCA2 DNA repair associated; plus strand). Cytogenetic location: 13q13.1.
Variant type: single nucleotide variant.
Coding change: c.4390T>G on transcript NM_000059.4 (MANE Select); coding-DNA position 4390, T replaced by G.
Protein change: p.Ser1464Ala; replaces serine 1464 with alanine.
Molecular consequence: missense variant.
Genome position (GRCh38, 1-based): chr13:32,338,745, T>G. VCF-style: chr13-32338745-T-G. GRCh37 (hg19) VCF-style: chr13-32912882-T-G.
Other names: short protein forms S1464A.
Identifiers: ClinVar variation 479388 (VCV000479388.16), dbSNP rs1555283760, ClinGen allele CA387781088.